The following is an entry in ClinVar:

NM_002691.4(POLD1):c.1610G>A (p.Arg537Lys)

Gene: POLD1 (DNA polymerase delta 1, catalytic subunit; plus strand). Cytogenetic location: 19q13.33.
Variant type: single nucleotide variant.
Coding change: c.1610G>A on transcript NM_002691.4 (MANE Select); coding-DNA position 1610, G replaced by A.
Protein change: p.Arg537Lys; replaces arginine 537 with lysine.
Molecular consequence: missense variant. On other transcripts: non-coding transcript variant (1).
Genome position (GRCh38, 1-based): chr19:50,407,098, G>A. VCF-style: chr19-50407098-G-A. GRCh37 (hg19) VCF-style: chr19-50910355-G-A.
Other names: c.1610G>A, p.Arg537Lys (NM_001256849.1, NM_001308632.1); short protein forms R537K.
Identifiers: ClinVar variation 2848111 (VCV002848111.3), dbSNP rs1555791415, ClinGen allele CA406980967.

ClinVar aggregate classification (germline): Uncertain significance (1 of 4 stars; one submission).

Conditions:
POLD1-related polyposis and colorectal cancer syndrome (CRCS10). Also called: Colorectal cancer 10; COLORECTAL CANCER, SUSCEPTIBILITY TO, ON CHROMOSOME 19q; Colorectal cancer, susceptibility to, 10. Identifiers: Orphanet 220460, MedGen C2675481, MONDO:0012953, OMIM 612591.

Submission:

Labcorp Genetics (formerly Invitae), Labcorp
Classification: Uncertain significance for POLD1-related polyposis and colorectal cancer syndrome. Last evaluated: 2025-01-20. Review status: criteria provided, single submitter. Criteria: Invitae Variant Classification Sherloc (09022015). Collection method: clinical testing. Allele origin: germline.
Comment: This sequence change replaces arginine, which is basic and polar, with lysine, which is basic and polar, at codon 537 of the POLD1 protein (p.Arg537Lys). This variant is not present in population databases (gnomAD no frequency). This variant has not been reported in the literature in individuals affected with POLD1-related conditions. ClinVar contains an entry for this variant (Variation ID: 2848111). Invitae Evidence Modeling of protein sequence and biophysical properties (such as structural, functional, and spatial information, amino acid conservation, physicochemical variation, residue mobility, and thermodynamic stability) indicates that this missense variant is not expected to disrupt POLD1 protein function with a negative predictive value of 80%. In summary, the available evidence is currently insufficient to determine the role of this variant in disease. Therefore, it has been classified as a Variant of Uncertain Significance.